The following is an entry in ClinVar:

NM_031935.3(HMCN1):c.15199G>T (p.Asp5067Tyr)

Gene: HMCN1 (hemicentin 1; plus strand). Cytogenetic location: 1q31.1.
Variant type: single nucleotide variant.
Coding change: c.15199G>T on transcript NM_031935.3 (MANE Select); coding-DNA position 15199, G replaced by T.
Protein change: p.Asp5067Tyr; replaces aspartic acid 5067 with tyrosine.
Molecular consequence: missense variant.
Genome position (GRCh38, 1-based): chr1:186,153,930, G>T. VCF-style: chr1-186153930-G-T. GRCh37 (hg19) VCF-style: chr1-186123062-G-T.
Other names: short protein forms D5067Y.
Identifiers: ClinVar variation 2119987 (VCV002119987.4), dbSNP rs2102582057, ClinGen allele CA343924643.

ClinVar aggregate classification (germline): Uncertain significance (1 of 4 stars; one submission).

Submission:

Labcorp Genetics (formerly Invitae), Labcorp
Classification: Uncertain significance. Last evaluated: 2022-03-31. Review status: criteria provided, single submitter. Criteria: Invitae Variant Classification Sherloc (09022015). Collection method: clinical testing. Allele origin: germline.
Comment: This sequence change replaces aspartic acid, which is acidic and polar, with tyrosine, which is neutral and polar, at codon 5067 of the HMCN1 protein (p.Asp5067Tyr). This variant is not present in population databases (gnomAD no frequency). This variant has not been reported in the literature in individuals affected with HMCN1-related conditions. Algorithms developed to predict the effect of missense changes on protein structure and function (SIFT, PolyPhen-2, Align-GVGD) all suggest that this variant is likely to be disruptive. In summary, the available evidence is currently insufficient to determine the role of this variant in disease. Therefore, it has been classified as a Variant of Uncertain Significance.